The following is an entry in ClinVar:

NM_004747.4(DLG5):c.496C>T (p.Arg166Cys)

Gene: DLG5 (discs large MAGUK scaffold protein 5; minus strand). Cytogenetic location: 10q22.3.
Variant type: single nucleotide variant.
Coding change: c.496C>T on transcript NM_004747.4 (MANE Select); coding-DNA position 496, C replaced by T.
Protein change: p.Arg166Cys; replaces arginine 166 with cysteine.
Molecular consequence: missense variant.
Genome position (GRCh38, 1-based): chr10:77,856,770, G>A on the plus strand (C>T on the coding strand, the complement: DLG5 is on the minus strand). VCF-style: chr10-77856770-G-A. GRCh37 (hg19) VCF-style: chr10-79616528-G-A.
Other names: short protein forms R166C.
Identifiers: ClinVar variation 4660346 (VCV004660346.3).

ClinVar aggregate classification (germline): Uncertain significance. Review status: criteria provided, multiple submitters, no conflicts (2 of 4 stars). 2 submissions from 2 submitters: Uncertain significance (2). Last evaluated 2026-06-01.

Submissions (2):

CeGaT Center for Human Genetics Tuebingen
Classification: Uncertain significance. Last evaluated: 2026-06-01. Review status: criteria provided, single submitter. Criteria: CeGaT Center For Human Genetics Tuebingen Variant Classification Criteria Version 2. Collection method: clinical testing. Allele origin: germline. Affected: yes. Observed: 1 variant allele.
Comment: DLG5: PM2

Ambry Genetics
Classification: Uncertain significance. Last evaluated: 2025-10-01. Review status: criteria provided, single submitter. Criteria: Ambry Variant Classification Scheme 2023. Collection method: clinical testing. Allele origin: germline.